The following is an entry in ClinVar:

NM_000481.4(AMT):c.677C>T (p.Thr226Ile)

Gene: AMT (aminomethyltransferase; minus strand). Cytogenetic location: 3p21.31.
Variant type: single nucleotide variant.
Coding change: c.677C>T on transcript NM_000481.4 (MANE Select); coding-DNA position 677, C replaced by T.
Protein change: p.Thr226Ile; replaces threonine 226 with isoleucine.
Molecular consequence: missense variant. On other transcripts: non-coding transcript variant (1).
Genome position (GRCh38, 1-based): chr3:49,419,279, G>A on the plus strand (C>T on the coding strand, the complement: AMT is on the minus strand). VCF-style: chr3-49419279-G-A. GRCh37 (hg19) VCF-style: chr3-49456712-G-A.
Other names: c.545C>T, p.Thr182Ile (NM_001164710.2); c.509C>T, p.Thr170Ile (NM_001164711.2); c.677C>T, p.Thr226Ile (NM_001164712.2); short protein forms T182I, T170I, T226I.
Identifiers: ClinVar variation 1460612 (VCV001460612.6), dbSNP rs2107932030, ClinGen allele CA352790082.

ClinVar aggregate classification (germline): Uncertain significance (1 of 4 stars; one submission).

Conditions:
Glycine encephalopathy. Also called: Non-ketotic hyperglycinemia; Nonketotic hyperglycinemia. Identifiers: Orphanet 407, MedGen C0751748, MONDO:0011612, HP:0008288.

Submission:

Labcorp Genetics (formerly Invitae), Labcorp
Classification: Uncertain significance for Glycine encephalopathy. Last evaluated: 2022-07-12. Review status: criteria provided, single submitter. Criteria: Invitae Variant Classification Sherloc (09022015). Collection method: clinical testing. Allele origin: germline.
Comment: This sequence change replaces threonine, which is neutral and polar, with isoleucine, which is neutral and non-polar, at codon 226 of the AMT protein (p.Thr226Ile). This variant is not present in population databases (gnomAD no frequency). In summary, the available evidence is currently insufficient to determine the role of this variant in disease. Therefore, it has been classified as a Variant of Uncertain Significance. Advanced modeling of protein sequence and biophysical properties (such as structural, functional, and spatial information, amino acid conservation, physicochemical variation, residue mobility, and thermodynamic stability) performed at Invitae indicates that this missense variant is expected to disrupt AMT protein function. ClinVar contains an entry for this variant (Variation ID: 1460612). This variant has not been reported in the literature in individuals affected with AMT-related conditions.